The following is an entry in ClinVar:

ClinVar aggregate classification (germline): Uncertain significance (1 of 4 stars; one submission).

Conditions:
Early-infantile DEE. Also called: Ohtahara syndrome; Early infantile epileptic encephalopathy; Early infantile epileptic encephalopathy with suppression bursts. Identifiers: Orphanet 1934, MedGen C0393706, MONDO:0800491.

Submission:

Labcorp Genetics (formerly Invitae), Labcorp
Classification: Uncertain significance for Early-infantile DEE. Last evaluated: 2024-07-06. Review status: criteria provided, single submitter. Criteria: Invitae Variant Classification Sherloc (09022015). Collection method: clinical testing. Allele origin: germline.
Comment: This sequence change affects codon 205 of the SCN8A mRNA. It is a 'silent' change, meaning that it does not change the encoded amino acid sequence of the SCN8A protein. It affects a nucleotide within the consensus splice site. This variant is not present in population databases (gnomAD no frequency). This variant has not been reported in the literature in individuals affected with SCN8A-related conditions. Algorithms developed to predict the effect of sequence changes on RNA splicing suggest that this variant may disrupt the consensus splice site. In summary, the available evidence is currently insufficient to determine the role of this variant in disease. Therefore, it has been classified as a Variant of Uncertain Significance.

NM_014191.4(SCN8A):c.615G>A (p.Ala205=)

Gene: SCN8A (sodium voltage-gated channel alpha subunit 8; plus strand). Cytogenetic location: 12q13.13.
Variant type: single nucleotide variant.
Coding change: c.615G>A on transcript NM_014191.4 (MANE Plus Clinical); coding-DNA position 615, G replaced by A.
Protein change: p.Ala205=; no amino-acid change (alanine 205 retained).
Molecular consequence: synonymous variant. On other transcripts: intron variant (2).
Genome position (GRCh38, 1-based): chr12:51,688,758, G>A. VCF-style: chr12-51688758-G-A. GRCh37 (hg19) VCF-style: chr12-52082542-G-A.
Other names: c.615G>A, p.Ala205= (NM_001177984.3); c.615-247G>A (NM_001330260.2, NM_001369788.1).
Identifiers: ClinVar variation 3658852 (VCV003658852.2).